The following is an entry in ClinVar:

ClinVar aggregate classification (germline): Likely pathogenic (1 of 4 stars; one submission).

Conditions:
Primary dilated cardiomyopathy (DCM). Also called: Dilated Cardiomyopathy. Identifiers: Orphanet 217604, MedGen C0007193, MeSH D002311, MONDO:0005021, HP:0001644. Inheritance: Various modes of inheritance.

Allele frequency attached by ClinVar (database versions not stated): gnomAD exomes below 0.00001.

Submission:

Cardiovascular Biomedical Research Unit, Royal Brompton & Harefield NHS Foundation Trust
Classification: Likely pathogenic for Primary dilated cardiomyopathy. Last evaluated: 2014-10-08. Review status: criteria provided, single submitter. Criteria: Roberts et al. 2015. Collection method: research. Allele origin: germline. Inheritance: Autosomal dominant inheritance. Affected: yes. Observed: 1 variant allele. Study: Unselected DCM.
Comment: In the seven cohorts assessed, TTNtv were found in 14% of ambulant DCM, 22% end-stage or familial DCM, and 2% controls. Heterozygous nonsense, frameshift and canonical splice-disrupting variants found in constitutive and other highly utilised exons are highly likely to be pathogenic when identified in individuals with phenotypically confirmed DCM. TTNtv found incidentally in healthy individuals (excluding familial assessment of DCM relatives) are thought to have low penetrance, particularly when identified in exons that are not constitutively expressed in the heart.

NM_001267550.2(TTN):c.29062del (p.Ala9688fs)

Gene: TTN (titin; minus strand). Cytogenetic location: 2q31.2.
Variant type: Deletion.
Coding change: c.29062del on transcript NM_001267550.2 (MANE Select); coding-DNA position 29062, one base deleted (G; older notation c.29062delG).
Protein change: p.Ala9688fs; shifts the reading frame from alanine 9688.
Molecular consequence: frameshift variant. On other transcripts: intron variant (3).
Genome position (GRCh38, 1-based): chr2:178,706,934, C deleted on the plus strand (G on the coding strand, the reverse complement: TTN is on the minus strand). VCF-style (leftmost placement, unchanged base first): chr2-178706933-GC-G. GRCh37 (hg19) VCF-style: chr2-179571660-GC-G.
Other names: c.29062delG (LRG_391t1); c.28111del, p.Ala9371fs (NM_001256850.1); c.25330del, p.Ala8444fs (NM_133378.4); c.13282+31148del (NM_003319.4); c.13858+31148del (NM_133437.4); c.13657+31148del (NM_133432.3); short protein forms A8444fs, A9371fs, A9688fs.
Identifiers: ClinVar variation 223270 (VCV000223270.1), dbSNP rs869312040, ClinGen allele CA353020.
Genomic context (GRCh38, chr2:178,706,933, plus strand): 5'-CTGATACTCTGAGGTTCTGACACAAAAAAGAGTCTTCCATCTACCGCAGCTTTCTTGGTT[GC>G]TGGGGCCACAGCTGGTTTGTCTGAAAAAACATTTACATGTTTTGTTACTACAATCACCTC-3'